The following is an entry in ClinVar:

ClinVar aggregate classification (germline): Pathogenic (1 of 4 stars; one submission).

Submission:

Labcorp Genetics (formerly Invitae), Labcorp
Classification: Pathogenic. Last evaluated: 2026-01-24. Review status: criteria provided, single submitter. Criteria: Invitae Variant Classification Sherloc (09022015). Collection method: clinical testing. Allele origin: germline.
Comment: This sequence change creates a premature translational stop signal (p.Ala158Leufs*69) in the HPS6 gene. While this is not anticipated to result in nonsense mediated decay, it is expected to disrupt the last 618 amino acid(s) of the HPS6 protein. This variant is not present in population databases (gnomAD no frequency). This variant has not been reported in the literature in individuals affected with HPS6-related conditions. ClinVar contains an entry for this variant (Variation ID: 2794877). This variant disrupts a region of the HPS6 protein in which other variant(s) (p.Arg667*) have been determined to be pathogenic (PMID: 33878481). This suggests that this is a clinically significant region of the protein, and that variants that disrupt it are likely to be disease-causing. For these reasons, this variant has been classified as Pathogenic.

Literature cited by the submitters: PubMed 33878481.

NM_024747.6(HPS6):c.471del (p.Ala158fs)

Gene: HPS6 (HPS6 biogenesis of lysosomal organelles complex 2 subunit 3; plus strand). Cytogenetic location: 10q24.32.
Variant type: Deletion.
Coding change: c.471del on transcript NM_024747.6 (MANE Select); coding-DNA position 471, one base deleted (C; older notation c.471delC).
Protein change: p.Ala158fs; shifts the reading frame from alanine 158.
Molecular consequence: frameshift variant.
Genome position (GRCh38, 1-based): chr10:102,065,945, C deleted; the last of 2 consecutive C bases (chr10:102,065,944-102,065,945); deleting either gives the same sequence. VCF-style (leftmost placement, unchanged base first): chr10-102065943-GC-G. GRCh37 (hg19) VCF-style: chr10-103825700-GC-G.
Other names: short protein forms A158fs.
Identifiers: ClinVar variation 2794877 (VCV002794877.3), dbSNP rs2540986710, ClinGen allele CA2739275947.
Genomic context (GRCh38, chr10:102,065,943, plus strand): 5'-CGCCTGGTGTGGTGCGAGGAGCGGCAGGCCCGGGCCGAGGGCCCGTCAGGGTCGCCAGCA[GC>G]CGCTTTCAGCCACTGTGTGTGCGTCCGGACTCTGGAGCCCAGCGGGGAAGCTAGCACCAG-3'